The following is an entry in ClinVar:

ClinVar aggregate classification (germline): Uncertain significance (1 of 4 stars; one submission).

Conditions:
Severe early-childhood-onset retinal dystrophy (STGD1). Also called: Stargardt macular dystrophy; Juvenile onset macular degeneration; Stargardt disease 1; MACULAR DYSTROPHY WITH FLECKS, TYPE 1; STGD. Identifiers: Orphanet 364055, Orphanet 827, MedGen C1855465, MeSH D000080362, MONDO:0009549, OMIM 248200.

Submission:

3billion
Classification: Uncertain significance for Severe early-childhood-onset retinal dystrophy. Last evaluated: 2025-12-17. Review status: criteria provided, single submitter. Criteria: ACMG Guidelines, 2015. Collection method: clinical testing. Allele origin: germline. Affected: yes.
Comment: The variant is not observed in the gnomAD v4.1.0 dataset. Predicted Consequence/Location: Missense variant In silico tool predictions suggest damaging effect of the variant on gene or gene product [REVEL: 0.60 (>=0.6, sensitivity 0.68 and specificity 0.92); 3Cnet: 0.76 (> 0.75, sensitivity 0.96 and precision 0.92)]. Different missense changes at the same codon have been reported as of uncertain significance (ClinVar ID: VCV000806167). Therefore, this variant is classified as VUS according to the recommendation of ACMG/AMP guideline.

NM_000350.3(ABCA4):c.1572G>C (p.Lys524Asn)

Gene: ABCA4 (ATP binding cassette subfamily A member 4; minus strand). Cytogenetic location: 1p22.1.
Variant type: single nucleotide variant.
Coding change: c.1572G>C on transcript NM_000350.3 (MANE Select); coding-DNA position 1572, G replaced by C.
Protein change: p.Lys524Asn; replaces lysine 524 with asparagine.
Molecular consequence: missense variant.
Genome position (GRCh38, 1-based): chr1:94,063,300, C>G on the plus strand (G>C on the coding strand, the complement: ABCA4 is on the minus strand). VCF-style: chr1-94063300-C-G. GRCh37 (hg19) VCF-style: chr1-94528856-C-G.
Other names: c.1572G>C, p.Lys524Asn (NM_001425324.1); short protein forms K524N.
Identifiers: ClinVar variation 4854347 (VCV004854347.1).